The following is an entry in ClinVar:

ClinVar aggregate classification (germline): Uncertain significance (1 of 4 stars; one submission).

Conditions:
Cardiovascular phenotype. Identifiers: MedGen CN230736.

Submission:

Ambry Genetics
Classification: Uncertain significance for Cardiovascular phenotype. Last evaluated: 2024-11-18. Review status: criteria provided, single submitter. Criteria: Ambry Variant Classification Scheme 2023. Collection method: clinical testing. Allele origin: germline.
Comment: The p.D2293G variant (also known as c.6878A>G), located in coding exon 26 of the APOB gene, results from an A to G substitution at nucleotide position 6878. The aspartic acid at codon 2293 is replaced by glycine, an amino acid with similar properties. This amino acid position is conserved. In addition, this alteration is predicted to be tolerated by in silico analysis. Based on the available evidence, the clinical significance of this variant remains unclear.

NM_000384.3(APOB):c.6878A>G (p.Asp2293Gly)

Gene: APOB (apolipoprotein B; minus strand). Cytogenetic location: 2p24.1.
Variant type: single nucleotide variant.
Coding change: c.6878A>G on transcript NM_000384.3 (MANE Select); coding-DNA position 6878, A replaced by G.
Protein change: p.Asp2293Gly; replaces aspartic acid 2293 with glycine.
Molecular consequence: missense variant.
Genome position (GRCh38, 1-based): chr2:21,009,990, T>C on the plus strand (A>G on the coding strand, the complement: APOB is on the minus strand). VCF-style: chr2-21009990-T-C. GRCh37 (hg19) VCF-style: chr2-21232862-T-C.
Other names: short protein forms D2293G.
Identifiers: ClinVar variation 3416382 (VCV003416382.1).
Genomic context (GRCh38, chr2:21,009,990, plus strand): 5'-ATGTCATTTATTCTTTCAAATGAAATTGTAGTTCCCAATTGATCTAAAAGCACTCTAACA[T>C]CAATAGCCTCAATGTGTTGTTTTAACTTTCCAGCTAGGTGCTGGATGTCTATATTCTGTA-3'
Protein context (NP_000375.3, residues 2283-2303): GKLKQHIEAI[Asp2293Gly]VRVLLDQLGT